The following is an entry in ClinVar:

ClinVar aggregate classification (germline): Likely benign (1 of 4 stars; one submission).

gnomAD v4.1: 1 of 1,614,150 alleles (0.000062%); no homozygotes.

Submission:

CeGaT Center for Human Genetics Tuebingen
Classification: Likely benign. Last evaluated: 2022-05-01. Review status: criteria provided, single submitter. Criteria: CeGaT Center For Human Genetics Tuebingen Variant Classification Criteria Version 2. Collection method: clinical testing. Allele origin: germline. Affected: yes. Observed: 1 variant allele.
Comment: SPTAN1: PM2:Supporting, BP4, BP7

NM_001130438.3(SPTAN1):c.2328G>A (p.Arg776=)

Gene: SPTAN1 (spectrin alpha, non-erythrocytic 1; plus strand). Cytogenetic location: 9q34.11.
Variant type: single nucleotide variant.
Coding change: c.2328G>A on transcript NM_001130438.3 (MANE Select); coding-DNA position 2328, G replaced by A.
Protein change: p.Arg776=; no amino-acid change (arginine 776 retained).
Molecular consequence: synonymous variant.
Genome position (GRCh38, 1-based): chr9:128,584,416, G>A. VCF-style: chr9-128584416-G-A. GRCh37 (hg19) VCF-style: chr9-131346695-G-A.
Other names: c.2328G>A, p.Arg776= (NM_001195532.2, NM_001363759.2, NM_001363765.2 and 5 more transcripts); c.2364G>A, p.Arg788= (NM_001375312.2, NM_001375318.1).
Identifiers: ClinVar variation 2659539 (VCV002659539.24), dbSNP rs2541200923, ClinGen allele CA467484372.